The following is an entry in ClinVar:

ClinVar aggregate classification (germline): Conflicting classifications of pathogenicity. Review status: criteria provided, conflicting classifications (1 of 4 stars). 6 submissions from 6 submitters: Uncertain significance (1); Benign (1); Likely benign (4). Last evaluated 2026-02-04.

Conditions:
Inborn genetic diseases. Identifiers: MedGen C0950123, MeSH D030342.
Joubert syndrome 17 (JBTS17). Identifiers: Orphanet 475, MedGen C3553264, MONDO:0013824, OMIM 614615.

Allele frequency attached by ClinVar (database versions not stated): 1000 Genomes Project 0.00300; gnomAD exomes 0.00015 and 0.00036; ExAC 0.00053; ESP Exome Variant Server 0.00153; gnomAD 0.00175; TOPMed 0.00178; 1000 Genomes Project 30x 0.00297.
gnomAD v4.1: 473 of 1,549,914 alleles (0.031%); highest among the groups gnomAD compares: African/African-American, 0.57%; 2 homozygotes.

Submissions (6):

Labcorp Genetics (formerly Invitae), Labcorp
Classification: Likely benign. Last evaluated: 2026-02-04. Review status: criteria provided, single submitter. Criteria: Invitae Variant Classification Sherloc (09022015). Collection method: clinical testing. Allele origin: germline.

Blueprint Genetics
Classification: Likely benign. Last evaluated: 2024-05-29. Review status: criteria provided, single submitter. Criteria: ACMG Guidelines, 2015. Collection method: clinical testing. Allele origin: germline.

Ambry Genetics
Classification: Likely benign for Inborn genetic diseases. Last evaluated: 2021-12-16. Review status: criteria provided, single submitter. Criteria: Ambry Variant Classification Scheme 2023. Collection method: clinical testing. Allele origin: germline.

GeneDx
Classification: Likely benign. Last evaluated: 2020-02-20. Review status: criteria provided, single submitter. Criteria: GeneDx Variant Classification Process June 2021. Collection method: clinical testing. Allele origin: germline. Affected: yes.
Comment: In silico analysis supports that this missense variant does not alter protein structure/function; Has not been previously published as pathogenic or benign to our knowledge

Illumina Laboratory Services, Illumina
Classification: Uncertain significance for Joubert syndrome 17. Last evaluated: 2018-01-12. Review status: criteria provided, single submitter. Criteria: ICSL Variant Classification Criteria 13 December 2019. Collection method: clinical testing. Allele origin: germline.

Eurofins Ntd Llc (ga)
Classification: Benign. Last evaluated: 2015-03-02. Review status: criteria provided, single submitter. Criteria: EGL Classification Definitions 2015. Collection method: clinical testing. Allele origin: germline. Observed: 2 variant alleles, 2 heterozygotes.

NM_001384732.1(CPLANE1):c.1411C>G (p.Leu471Val)

Gene: CPLANE1 (ciliogenesis and planar polarity effector complex subunit 1; minus strand). Cytogenetic location: 5p13.2.
Variant type: single nucleotide variant.
Coding change: c.1411C>G on transcript NM_001384732.1 (MANE Select); coding-DNA position 1411, C replaced by G.
Protein change: p.Leu471Val; replaces leucine 471 with valine.
Molecular consequence: missense variant.
Genome position (GRCh38, 1-based): chr5:37,227,353, G>C on the plus strand (C>G on the coding strand, the complement: CPLANE1 is on the minus strand). VCF-style: chr5-37227353-G-C. GRCh37 (hg19) VCF-style: chr5-37227455-G-C.
Other names: c.1411C>G, p.Leu471Val (NM_023073.4); short protein forms L471V.
Identifiers: ClinVar variation 193929 (VCV000193929.22), dbSNP rs139940282, ClinGen allele CA200857.